The following is an entry in ClinVar:

NM_004239.4(TRIP11):c.4558-273A>G

Gene: TRIP11 (thyroid hormone receptor interactor 11; minus strand). Cytogenetic location: 14q32.12.
Variant type: single nucleotide variant.
Coding change: c.4558-273A>G on transcript NM_004239.4 (MANE Select); 273 bases into the intron before coding-DNA position 4558, A replaced by G.
Molecular consequence: intron variant.
Genome position (GRCh38, 1-based): chr14:92,000,381, T>C on the plus strand (A>G on the coding strand, the complement: TRIP11 is on the minus strand). VCF-style: chr14-92000381-T-C. GRCh37 (hg19) VCF-style: chr14-92466725-T-C.
Other names: c.4555-273A>G (NM_001321851.1).
Identifiers: ClinVar variation 673079 (VCV000673079.1), dbSNP rs115544452, ClinGen allele CA265604939.

ClinVar aggregate classification (germline): Benign (1 of 4 stars; one submission).

Allele frequency attached by ClinVar (database versions not stated): TOPMed 0.03285; 1000 Genomes Project 30x 0.03482; gnomAD 0.02790 and 0.03001; 1000 Genomes Project 0.03215.
gnomAD v4.1: 4,213 of 152,206 alleles (2.8%); highest among the groups gnomAD compares: African/African-American, 9.4%; 199 homozygotes.

Submission:

GeneDx
Classification: Benign. Last evaluated: 2018-06-14. Review status: criteria provided, single submitter. Criteria: GeneDx Variant Classification (06012015). Collection method: clinical testing. Allele origin: germline. Affected: yes.
Comment: This variant is considered likely benign or benign based on one or more of the following criteria: it is a conservative change, it occurs at a poorly conserved position in the protein, it is predicted to be benign by multiple in silico algorithms, and/or has population frequency not consistent with disease.